The following is an entry in ClinVar:

ClinVar aggregate classification (germline): Uncertain significance (1 of 4 stars; one submission).

Conditions:
Familial cancer of breast. Also called: BREAST CANCER, FAMILIAL; Hereditary breast cancer; hereditary breast carcinoma. Identifiers: Orphanet 227535, MedGen C0346153, MONDO:0016419, OMIM 114480. Disease mechanism: loss of function.

Submission:

Labcorp Genetics (formerly Invitae), Labcorp
Classification: Uncertain significance for Familial cancer of breast. Last evaluated: 2022-03-14. Review status: criteria provided, single submitter. Criteria: Invitae Variant Classification Sherloc (09022015). Collection method: clinical testing. Allele origin: germline.
Comment: This sequence change replaces tryptophan, which is neutral and slightly polar, with leucine, which is neutral and non-polar, at codon 635 of the BARD1 protein (p.Trp635Leu). This variant is not present in population databases (gnomAD no frequency). This variant has not been reported in the literature in individuals affected with BARD1-related conditions. Algorithms developed to predict the effect of missense changes on protein structure and function (SIFT, PolyPhen-2, Align-GVGD) all suggest that this variant is likely to be disruptive. In summary, the available evidence is currently insufficient to determine the role of this variant in disease. Therefore, it has been classified as a Variant of Uncertain Significance.

NM_000465.4(BARD1):c.1904G>T (p.Trp635Leu)

Gene: BARD1 (BRCA1 associated RING domain 1; minus strand). Cytogenetic location: 2q35.
Variant type: single nucleotide variant.
Coding change: c.1904G>T on transcript NM_000465.4 (MANE Select); coding-DNA position 1904, G replaced by T.
Protein change: p.Trp635Leu; replaces tryptophan 635 with leucine.
Molecular consequence: missense variant. On other transcripts: non-coding transcript variant (3).
Genome position (GRCh38, 1-based): chr2:214,730,508, C>A on the plus strand (G>T on the coding strand, the complement: BARD1 is on the minus strand). VCF-style: chr2-214730508-C-A. GRCh37 (hg19) VCF-style: chr2-215595232-C-A.
Other names: c.1847G>T, p.Trp616Leu (NM_001282543.2); c.551G>T, p.Trp184Leu (NM_001282545.2); c.494G>T, p.Trp165Leu (NM_001282548.2); c.365G>T, p.Gly122Val (NM_001282549.2); short protein forms G122V, W635L, W184L, W165L, W616L.
Identifiers: ClinVar variation 1491113 (VCV001491113.7), dbSNP rs1692308262, ClinGen allele CA350451347.